The following is an entry in ClinVar:

NM_182931.3(KMT2E):c.4870G>A (p.Ala1624Thr)

Gene: KMT2E (lysine methyltransferase 2E (inactive); plus strand). Cytogenetic location: 7q22.3.
Variant type: single nucleotide variant.
Coding change: c.4870G>A on transcript NM_182931.3 (MANE Select); coding-DNA position 4870, G replaced by A.
Protein change: p.Ala1624Thr; replaces alanine 1624 with threonine.
Molecular consequence: missense variant.
Genome position (GRCh38, 1-based): chr7:105,112,626, G>A. VCF-style: chr7-105112626-G-A. GRCh37 (hg19) VCF-style: chr7-104753073-G-A.
Other names: c.4744G>A, p.Ala1582Thr (NM_001410908.1); c.4870G>A, p.Ala1624Thr (NM_018682.4); short protein forms A1582T, A1624T.
Identifiers: ClinVar variation 3375717 (VCV003375717.1).

ClinVar aggregate classification (germline): Uncertain significance (1 of 4 stars; one submission).

Submission:

GeneDx
Classification: Uncertain significance. Last evaluated: 2024-05-10. Review status: criteria provided, single submitter. Criteria: GeneDx Variant Classification Process June 2021. Collection method: clinical testing. Allele origin: germline. Affected: yes.
Comment: Not observed at significant frequency in large population cohorts (gnomAD); In silico analysis indicates that this missense variant does not alter protein structure/function; Has not been previously published as pathogenic or benign to our knowledge